The following is an entry in ClinVar:

ClinVar aggregate classification (germline): Uncertain significance (1 of 4 stars; one submission).

Conditions:
Myopathy, myofibrillar, 9, with early respiratory failure (MFM9). Also called: Myopathy, distal, with early respiratory failure, autosomal dominant; EDSTROM MYOPATHY; MYOPATHY, PROXIMAL, WITH EARLY RESPIRATORY MUSCLE INVOLVEMENT; Hereditary myopathy with early respiratory failure. Identifiers: Orphanet 178464, Orphanet 34521, MedGen C1863599, MONDO:0011362, OMIM 603689.

Submission:

Baylor Genetics
Classification: Uncertain significance for Myopathy, myofibrillar, 9, with early respiratory failure. Last evaluated: 2019-02-14. Review status: criteria provided, single submitter. Criteria: ACMG Guidelines, 2015. Collection method: clinical testing. Allele origin: maternal. Affected: yes.
Comment: This variant was determined to be of uncertain significance according to ACMG Guidelines, 2015 [PMID:25741868].

NM_001267550.2(TTN):c.5483T>G (p.Leu1828Arg)

Gene: TTN (titin; minus strand). Cytogenetic location: 2q31.2.
Variant type: single nucleotide variant.
Coding change: c.5483T>G on transcript NM_001267550.2 (MANE Select); coding-DNA position 5483, T replaced by G.
Protein change: p.Leu1828Arg; replaces leucine 1828 with arginine.
Molecular consequence: missense variant.
Genome position (GRCh38, 1-based): chr2:178,776,381, A>C on the plus strand (T>G on the coding strand, the complement: TTN is on the minus strand). VCF-style: chr2-178776381-A-C. GRCh37 (hg19) VCF-style: chr2-179641108-A-C.
Other names: c.5483T>G, p.Leu1828Arg (NM_001256850.1, NM_133378.4, NM_133379.5); c.5345T>G, p.Leu1782Arg (NM_003319.4, NM_133432.3, NM_133437.4); short protein forms L1782R, L1828R.
Identifiers: ClinVar variation 1028576 (VCV001028576.1), dbSNP rs2092226818, ClinGen allele CA349451541.